The following is an entry in ClinVar:

NC_000008.10:g.(?_90990438)_(90990561_?)del

Gene: NBN (nibrin; minus strand). Cytogenetic location: 8q21.3.
Variant type: Deletion.
Identifiers: ClinVar variation 1072536 (VCV001072536.5).

ClinVar aggregate classification (germline): Pathogenic (1 of 4 stars; one submission).

Conditions:
Microcephaly, normal intelligence and immunodeficiency (NBS). Also called: Microcephaly with normal intelligence immunodeficiency and lymphoreticular malignancies; Nonsyndromal microcephaly autosomal recessive with normal intelligence; Seemanova syndrome 2; SEEMANOVA SYNDROME II; BERLIN BREAKAGE SYNDROME; Immunodeficiency, microcephaly with normal intelligence. Identifiers: Orphanet 647, MedGen C0398791, MONDO:0009623, OMIM 251260.

Submission:

Labcorp Genetics (formerly Invitae), Labcorp
Classification: Pathogenic for Microcephaly, normal intelligence and immunodeficiency. Last evaluated: 2021-10-06. Review status: criteria provided, single submitter. Criteria: Invitae Variant Classification Sherloc (09022015). Collection method: clinical testing. Allele origin: germline.
Comment: For these reasons, this variant has been classified as Pathogenic. This variant has not been reported in the literature in individuals affected with NBN-related conditions. This variant is a gross deletion of the genomic region encompassing exon(s) 5 of the NBN gene. This deletion is out-of-frame, and is expected to create a premature termination codon and result in an absent or disrupted protein product. Loss-of-function variants in NBN are known to be pathogenic (PMID: 9590180, 16415040).

Literature cited by the submitters: PubMed 9590180; PubMed 16415040.